The following is an entry in ClinVar:

ClinVar aggregate classification (germline): Uncertain significance. Review status: criteria provided, multiple submitters, no conflicts (2 of 4 stars). 5 submissions from 5 submitters: Uncertain significance (4). 1 of the submissions does not count toward it. Last evaluated 2024-09-28.

Conditions:
Ataxia-telangiectasia syndrome (AT). Also called: Ataxia-telangiectasia, complementation group D; AT, COMPLEMENTATION GROUP C; ATAXIA-TELANGIECTASIA, COMPLEMENTATION GROUP A; ATAXIA-TELANGIECTASIA, FRESNO VARIANT; Ataxia-telangiectasia; LOUIS-BAR SYNDROME. Identifiers: Orphanet 100, MedGen C0004135, MONDO:0008840, OMIM 208900.
Hereditary cancer-predisposing syndrome. Also called: Tumor predisposition; Hereditary neoplastic syndrome; Neoplastic Syndromes, Hereditary; Hereditary Cancer Syndrome. Identifiers: Orphanet 140162, MedGen C0027672, MeSH D009386, MONDO:0015356.
Familial cancer of breast. Also called: Hereditary breast cancer; BREAST CANCER, FAMILIAL; hereditary breast carcinoma. Identifiers: Orphanet 227535, MedGen C0346153, MONDO:0016419, OMIM 114480. Disease mechanism: loss of function.

Allele frequency attached by ClinVar (database versions not stated): gnomAD 0.00001; TOPMed 0.00001; gnomAD exomes below 0.00001.
gnomAD v4.1: 2 of 1,609,100 alleles (0.00012%); highest among the groups gnomAD compares: Non-Finnish European, 0.00017%; no homozygotes.

Submissions (5):

Labcorp Genetics (formerly Invitae), Labcorp
Classification: Uncertain significance for Ataxia-telangiectasia syndrome. Last evaluated: 2024-09-28. Review status: criteria provided, single submitter. Criteria: Invitae Variant Classification Sherloc (09022015). Collection method: clinical testing. Allele origin: germline.
Comment: This sequence change replaces isoleucine, which is neutral and non-polar, with valine, which is neutral and non-polar, at codon 2752 of the ATM protein (p.Ile2752Val). This variant is present in population databases (no rsID available, gnomAD 0.007%). This variant has not been reported in the literature in individuals affected with ATM-related conditions. ClinVar contains an entry for this variant (Variation ID: 631031). An algorithm developed to predict the effect of missense changes on protein structure and function (PolyPhen-2) suggests that this variant is likely to be disruptive. In summary, the available evidence is currently insufficient to determine the role of this variant in disease. Therefore, it has been classified as a Variant of Uncertain Significance.

Baylor Genetics
Classification: Uncertain significance for Familial cancer of breast. Last evaluated: 2024-03-26. Review status: criteria provided, single submitter. Criteria: ACMG Guidelines, 2015. Collection method: clinical testing. Allele origin: unknown.

Ambry Genetics
Classification: Uncertain significance for Hereditary cancer-predisposing syndrome. Last evaluated: 2023-10-08. Review status: criteria provided, single submitter. Criteria: Ambry Variant Classification Scheme 2023. Collection method: clinical testing. Allele origin: germline.
Comment: The p.I2752V variant (also known as c.8254A>G), located in coding exon 55 of the ATM gene, results from an A to G substitution at nucleotide position 8254. The isoleucine at codon 2752 is replaced by valine, an amino acid with highly similar properties. This variant was reported in 2/60,466 breast cancer cases and in 0/53,461 controls (Dorling et al. N Engl J Med. 2021 02;384:428-439). This amino acid position is highly conserved in available vertebrate species. In addition, the in silico prediction for this alteration is inconclusive. Since supporting evidence is limited at this time, the clinical significance of this alteration remains unclear.

Color Diagnostics, LLC DBA Color Health
Classification: Uncertain significance for Hereditary cancer-predisposing syndrome. Last evaluated: 2021-03-23. Review status: criteria provided, single submitter. Criteria: ACMG Guidelines, 2015. Collection method: clinical testing. Allele origin: germline.
Comment: This missense variant replaces isoleucine with valine at codon 2752 of the ATM protein. Computational prediction is inconclusive regarding the impact of this variant on protein structure and function (internally defined REVEL score threshold 0.5 < inconclusive < 0.7, PMID: 27666373). To our knowledge, functional studies have not been reported for this variant. This variant has not been reported in individuals affected with hereditary cancer in the literature. This variant has been identified in 1/31374 chromosomes in the general population by the Genome Aggregation Database (gnomAD). The available evidence is insufficient to determine the role of this variant in disease conclusively. Therefore, this variant is classified as a Variant of Uncertain Significance.

Natera, Inc.
Classification: Uncertain significance for Ataxia-telangiectasia. Last evaluated: 2020-08-17. Review status: no assertion criteria provided. Collection method: clinical testing. Allele origin: germline. Not counted in ClinVar's aggregate classification.

Literature cited by the submitters: PubMed 33471991 (cited by Ambry Genetics).

NM_000051.4(ATM):c.8254A>G (p.Ile2752Val)

Genes: ATM (ATM serine/threonine kinase; plus strand), C11orf65 (chromosome 11 open reading frame 65; minus strand). Cytogenetic location: 11q22.3.
Variant type: single nucleotide variant.
Coding change: c.8254A>G on transcript NM_000051.4 (MANE Select); coding-DNA position 8254, A replaced by G.
Protein change: p.Ile2752Val; replaces isoleucine 2752 with valine.
Molecular consequence: missense variant. On other transcripts: intron variant (2).
Genome position (GRCh38, 1-based): chr11:108,335,947, A>G. VCF-style: chr11-108335947-A-G. GRCh37 (hg19) VCF-style: chr11-108206674-A-G.
Other names: c.8254A>G, p.Ile2752Val (NM_001351834.2); c.641-26876T>C (NM_001330368.2); c.695-655T>C (NM_001351110.2); short protein forms I2752V.
Identifiers: ClinVar variation 631031 (VCV000631031.13), dbSNP rs1215163673, ClinGen allele CA382562675.
Genomic context (GRCh38, chr11:108,335,947, plus strand): 5'-TTCCAGATGTGTAATACATTACTGCAGAGAAACACGGAAACTAGGAAGAGGAAATTAACT[A>G]TCTGTACTTATAAGGTAACTATTTGTACTTCTGTTAGTTCACCAAAAACATATAAAAGAT-3'
Protein context (NP_000042.3, residues 2742-2762): NTETRKRKLT[Ile2752Val]CTYKVVPLSQ